The following is an entry in ClinVar:

NM_000368.5(TSC1):c.2263C>T (p.Gln755Ter)

Gene: TSC1 (TSC complex subunit 1; minus strand). Cytogenetic location: 9q34.13.
Variant type: single nucleotide variant.
Coding change: c.2263C>T on transcript NM_000368.5 (MANE Select); coding-DNA position 2263, C replaced by T.
Protein change: p.Gln755Ter; replaces glutamine 755 with a stop codon.
Molecular consequence: nonsense.
Genome position (GRCh38, 1-based): chr9:132,902,733, G>A on the plus strand (C>T on the coding strand, the complement: TSC1 is on the minus strand). VCF-style: chr9-132902733-G-A. GRCh37 (hg19) VCF-style: chr9-135778120-G-A.
Other names: c.2260C>T, p.Gln754Ter (NM_001162426.2); c.2110C>T, p.Gln704Ter (NM_001162427.2); c.1900C>T, p.Gln634Ter (NM_001362177.2); short protein forms Q704*, Q754*, Q755*, Q634*.
Identifiers: ClinVar variation 938340 (VCV000938340.10), dbSNP rs1845452711, ClinGen allele CA375359853.

ClinVar aggregate classification (germline): Pathogenic. Review status: criteria provided, multiple submitters, no conflicts (2 of 4 stars). 2 submissions from 2 submitters: Pathogenic (2). Last evaluated 2024-07-26.

Conditions:
Tuberous sclerosis 1 (TSC1). Identifiers: Orphanet 805, MedGen C1854465, MONDO:0008612, OMIM 191100.

Submissions (2):

Athena Diagnostics
Classification: Pathogenic. Last evaluated: 2024-07-26. Review status: criteria provided, single submitter. Criteria: Athena Diagnostics Criteria. Collection method: clinical testing. Allele origin: unknown.
Comment: This variant is expected to result in the loss of a functional protein. This variant has not been reported in large, multi-ethnic general populations. This variant has been identified in at least one individual with clinical features associated with this gene.

Labcorp Genetics (formerly Invitae), Labcorp
Classification: Pathogenic for Tuberous sclerosis 1. Last evaluated: 2019-05-17. Review status: criteria provided, single submitter. Criteria: Invitae Variant Classification Sherloc (09022015). Collection method: clinical testing. Allele origin: germline.
Comment: For these reasons, this variant has been classified as Pathogenic. Loss-of-function variants in TSC1 are known to be pathogenic (PMID: 10227394, 17304050). This variant has been observed in individuals affected with tuberous sclerosis complex (PMID: 27406250, 29196670). This variant is not present in population databases (ExAC no frequency). This sequence change creates a premature translational stop signal (p.Gln755*) in the TSC1 gene. It is expected to result in an absent or disrupted protein product.

Literature cited by the submitters: PubMed 29196670 (cited by Athena Diagnostics and Labcorp Genetics (formerly Invitae), Labcorp); PubMed 27406250 (cited by Athena Diagnostics and Labcorp Genetics (formerly Invitae), Labcorp); PubMed 32555378 (cited by Athena Diagnostics); PubMed 10227394 (cited by Labcorp Genetics (formerly Invitae), Labcorp); PubMed 17304050 (cited by Labcorp Genetics (formerly Invitae), Labcorp).